The following is an entry in ClinVar:

ClinVar aggregate classification (germline): Likely pathogenic (1 of 4 stars; one submission).

Submission:

ARUP Laboratories, Molecular Genetics and Genomics, ARUP Laboratories
Classification: Likely pathogenic. Last evaluated: 2020-03-03. Review status: criteria provided, single submitter. Criteria: ARUP Molecular Germline Variant Investigation Process. Collection method: clinical testing. Allele origin: germline.
Comment: The SHH c.1085C>T; p.Ser362Leu variant is reported in the literature as a confirmed de novo variant in a set of monozygotic twins affected with holoprosencephaly (Peng 2007). This variant is absent from general population databases (Exome Variant Server, Genome Aggregation Database), indicating it is not a common polymorphism. The serine at codon 362 is moderately conserved, and computational analyses (SIFT, PolyPhen-2) predict that this variant is deleterious. Based on available information, this variant is considered to be likely pathogenic. References: Peng HH et al. Discordant semilobar holoprosencephaly in monozygotic twins with de novo inv dup(15) marker chromosome and de novo mutation on SHH gene. Fetal Diagn Ther. 2007;22(5):389-93.

NM_000193.4(SHH):c.1085C>T (p.Ser362Leu)

Gene: SHH (sonic hedgehog signaling molecule; minus strand). Cytogenetic location: 7q36.3.
Variant type: single nucleotide variant.
Coding change: c.1085C>T on transcript NM_000193.4 (MANE Select); coding-DNA position 1085, C replaced by T.
Protein change: p.Ser362Leu; replaces serine 362 with leucine.
Molecular consequence: missense variant. On other transcripts: intron variant (1).
Genome position (GRCh38, 1-based): chr7:155,803,204, G>A on the plus strand (C>T on the coding strand, the complement: SHH is on the minus strand). VCF-style: chr7-155803204-G-A. GRCh37 (hg19) VCF-style: chr7-155595898-G-A.
Other names: c.302-2959C>T (NM_001310462.2); short protein forms S362L.
Identifiers: ClinVar variation 994034 (VCV000994034.8), dbSNP rs866005910, ClinGen allele CA370145160.